The following is an entry in ClinVar:

NM_001286445.3(RIPOR2):c.1164+418C>T

Gene: RIPOR2 (RHO family interacting cell polarization regulator 2; minus strand). Cytogenetic location: 6p22.3.
Variant type: single nucleotide variant.
Coding change: c.1164+418C>T on transcript NM_001286445.3 (MANE Select); 418 bases into the intron after coding-DNA position 1164, C replaced by T.
Molecular consequence: intron variant. On other transcripts: missense variant (1).
Genome position (GRCh38, 1-based): chr6:24,847,607, G>A on the plus strand (C>T on the coding strand, the complement: RIPOR2 is on the minus strand). VCF-style: chr6-24847607-G-A. GRCh37 (hg19) VCF-style: chr6-24847835-G-A.
Other names: c.1162C>T (NM_014722.4, NM_014722.2); c.1162C>T, p.Arg388Cys (NM_014722.5); c.1077+418C>T (NM_001346031.2, NM_001346032.2, NM_015864.5 and 1 more transcripts); c.1179+418C>T (NM_001286446.3); short protein forms R388C.
Identifiers: ClinVar variation 3774674 (VCV003774674.3).

ClinVar aggregate classification (germline): Uncertain significance. Review status: criteria provided, multiple submitters, no conflicts (2 of 4 stars). 3 submissions from 3 submitters: Uncertain significance (3). Last evaluated 2026-09-08.

Conditions:
RIPOR2-related disorder. Also called: RIPOR2-related condition.

gnomAD v4.1: 74 of 1,551,522 alleles (0.0048%); highest among the groups gnomAD compares: Non-Finnish European, 0.0059%; no homozygotes.

Submissions (3):

PreventionGenetics, part of Exact Sciences
Classification: Uncertain significance for RIPOR2-related condition. Last evaluated: 2026-09-08. Review status: criteria provided, single submitter. Criteria: ACMG Guidelines, 2015. Collection method: clinical testing. Allele origin: germline.
Comment: The RIPOR2 c.1162C>T variant is predicted to result in the amino acid substitution p.Arg388Cys. To our knowledge, this variant has not been reported in the literature. This variant is reported in 0.0088% of alleles in individuals of South Asian descent in gnomAD. However, in gnomAD v4 (available only on GRCh38), this variant is reported in 74 alleles globally, which is likely too common for a highly penetrant pathogenic variant in autosomal dominant disorder. At this time, the clinical significance of this variant is uncertain due to the absence of conclusive functional and genetic evidence.

Ambry Genetics
Classification: Uncertain significance. Last evaluated: 2025-06-18. Review status: criteria provided, single submitter. Criteria: Ambry Variant Classification Scheme 2023. Collection method: clinical testing. Allele origin: germline.

GeneDx
Classification: Uncertain significance. Last evaluated: 2024-09-27. Review status: criteria provided, single submitter. Criteria: GeneDx Variant Classification Process June 2021. Collection method: clinical testing. Allele origin: germline. Affected: yes.
Comment: In silico analysis indicates that this missense variant does not alter protein structure/function; Has not been previously published as pathogenic or benign to our knowledge